The following is an entry in ClinVar:

ClinVar aggregate classification (germline): Likely benign. Review status: criteria provided, multiple submitters, no conflicts (2 of 4 stars). 5 submissions from 5 submitters: Likely benign (4). 1 of the submissions does not count toward it. Last evaluated 2026-01-29.

Conditions:
Mucopolysaccharidosis, MPS-III-A (MPS3A). Also called: MUCOPOLYSACCHARIDOSIS, TYPE IIIA, ATTENUATED; HEPARAN SULFATE SULFATASE DEFICIENCY; SANFILIPPO SYNDROME A; SULFAMIDASE DEFICIENCY; Mucopolysaccharidosis, type IIIA; MPS III A. Identifiers: Orphanet 581, Orphanet 79269, MedGen C0086647, MONDO:0009655, OMIM 252900.
SGSH-related disorder. Also called: SGSH-related condition.

Allele frequency attached by ClinVar (database versions not stated): gnomAD exomes 0.00013 and 0.00029; 1000 Genomes Project 30x 0.00141; gnomAD 0.00143 and 0.00129; TOPMed 0.00145; ExAC 0.00039; 1000 Genomes Project 0.00100; ESP Exome Variant Server 0.00115.
gnomAD v4.1: 387 of 1,611,428 alleles (0.024%); highest among the groups gnomAD compares: African/African-American, 0.48%; 1 homozygote.

Submissions (5):

Labcorp Genetics (formerly Invitae), Labcorp
Classification: Likely benign for Mucopolysaccharidosis, MPS-III-A. Last evaluated: 2026-01-29. Review status: criteria provided, single submitter. Criteria: Invitae Variant Classification Sherloc (09022015). Collection method: clinical testing. Allele origin: germline.

PreventionGenetics, part of Exact Sciences
Classification: Likely benign for SGSH-related condition. Last evaluated: 2024-12-27. Review status: criteria provided, single submitter. Criteria: ACMG Guidelines, 2015. Collection method: clinical testing. Allele origin: germline.
Comment: This variant is classified as likely benign based on ACMG/AMP sequence variant interpretation guidelines (Richards et al. 2015 PMID: 25741868, with internal and published modifications).

Blueprint Genetics
Classification: Likely benign. Last evaluated: 2024-05-02. Review status: criteria provided, single submitter. Criteria: ACMG Guidelines, 2015. Collection method: clinical testing. Allele origin: germline.

Fulgent Genetics
Classification: Likely benign for Mucopolysaccharidosis, MPS-III-A. Last evaluated: 2021-09-01. Review status: criteria provided, single submitter. Criteria: ACMG Guidelines, 2015. Collection method: clinical testing. Allele origin: unknown.

Natera, Inc.
Classification: Likely benign for Mucopolysaccharidosis type IIIA. Last evaluated: 2020-05-04. Review status: no assertion criteria provided. Collection method: clinical testing. Allele origin: germline. Not counted in ClinVar's aggregate classification.

NM_000199.5(SGSH):c.641C>A (p.Ala214Asp)

Gene: SGSH (N-sulfoglucosamine sulfohydrolase; minus strand). Cytogenetic location: 17q25.3.
Variant type: single nucleotide variant.
Coding change: c.641C>A on transcript NM_000199.5 (MANE Select); coding-DNA position 641, C replaced by A.
Protein change: p.Ala214Asp; replaces alanine 214 with aspartic acid.
Molecular consequence: missense variant. On other transcripts: non-coding transcript variant (1).
Genome position (GRCh38, 1-based): chr17:80,214,194, G>T on the plus strand (C>A on the coding strand, the complement: SGSH is on the minus strand). VCF-style: chr17-80214194-G-T. GRCh37 (hg19) VCF-style: chr17-78187993-G-T.
Other names: c.641C>A, p.Ala214Asp (NM_001352921.3, NM_001352922.2); short protein forms A214D.
Identifiers: ClinVar variation 728299 (VCV000728299.15), dbSNP rs74000629, ClinGen allele CA8817927.